The following is an entry in ClinVar:

ClinVar aggregate classification (germline): Uncertain significance. Review status: criteria provided, multiple submitters, no conflicts (2 of 4 stars). 2 submissions from 2 submitters: Uncertain significance (2). Last evaluated 2025-10-21.

Allele frequency attached by ClinVar (database versions not stated): gnomAD exomes 0.00001; ExAC 0.00002; TOPMed 0.00002; gnomAD 0.00003 and 0.00004; ESP Exome Variant Server 0.00008.
gnomAD v4.1: 8 of 1,534,294 alleles (0.00052%); highest among the groups gnomAD compares: African/African-American, 0.0069%; no homozygotes.

Submissions (2):

Labcorp Genetics (formerly Invitae), Labcorp
Classification: Uncertain significance. Last evaluated: 2025-10-21. Review status: criteria provided, single submitter. Criteria: Invitae Variant Classification Sherloc (09022015). Collection method: clinical testing. Allele origin: germline.
Comment: This sequence change replaces serine, which is neutral and polar, with phenylalanine, which is neutral and non-polar, at codon 215 of the MKL1 protein (p.Ser215Phe). The frequency data for this variant in the population databases is considered unreliable, as metrics indicate poor data quality at this position in the gnomAD database. This variant has not been reported in the literature in individuals affected with MKL1-related conditions. ClinVar contains an entry for this variant (Variation ID: 1683127). An algorithm developed to predict the effect of missense changes on protein structure and function (PolyPhen-2) suggests that this variant is likely to be tolerated. In summary, the available evidence is currently insufficient to determine the role of this variant in disease. Therefore, it has been classified as a Variant of Uncertain Significance.

Ambry Genetics
Classification: Uncertain significance. Last evaluated: 2024-12-03. Review status: criteria provided, single submitter. Criteria: Ambry Variant Classification Scheme 2023. Collection method: clinical testing. Allele origin: germline.

NM_020831.6(MRTFA):c.944C>T (p.Ser315Phe)

Gene: MRTFA (myocardin related transcription factor A; minus strand). Cytogenetic location: 22q13.1.
Variant type: single nucleotide variant.
Coding change: c.944C>T on transcript NM_020831.6 (MANE Select); coding-DNA position 944, C replaced by T.
Protein change: p.Ser315Phe; replaces serine 315 with phenylalanine.
Molecular consequence: missense variant.
Genome position (GRCh38, 1-based): chr22:40,421,084, G>A on the plus strand (C>T on the coding strand, the complement: MRTFA is on the minus strand). VCF-style: chr22-40421084-G-A. GRCh37 (hg19) VCF-style: chr22-40817088-G-A.
Other names: c.644C>T, p.Ser215Phe (NM_001282660.2); c.794C>T, p.Ser265Phe (NM_001282661.3); c.944C>T, p.Ser315Phe (NM_001282662.3); c.749C>T, p.Ser250Phe (NM_001318139.2); c.644C>T (NM_020831.3); short protein forms S215F, S250F, S265F, S315F.
Identifiers: ClinVar variation 1683127 (VCV001683127.9), dbSNP rs148143612, ClinGen allele CA10249822.